The following is an entry in ClinVar:

NM_198282.4(STING1):c.947A>G (p.Glu316Gly)

Gene: STING1 (stimulator of interferon response cGAMP interactor 1; minus strand). Cytogenetic location: 5q31.2.
Variant type: single nucleotide variant.
Coding change: c.947A>G on transcript NM_198282.4 (MANE Select); coding-DNA position 947, A replaced by G.
Protein change: p.Glu316Gly; replaces glutamic acid 316 with glycine.
Molecular consequence: missense variant.
Genome position (GRCh38, 1-based): chr5:139,476,454, T>C on the plus strand (A>G on the coding strand, the complement: STING1 is on the minus strand). VCF-style: chr5-139476454-T-C. GRCh37 (hg19) VCF-style: chr5-138856039-T-C.
Other names: c.760A>G, p.Asn254Asp (NM_001301738.2); c.590A>G, p.Glu197Gly (NM_001367258.1); short protein forms E197G, E316G, N254D.
Identifiers: ClinVar variation 3728303 (VCV003728303.2).
Genomic context (GRCh38, chr5:139,476,454, plus strand): 5'-TCCTGCCGCAGGTGCCGGAGAACCTCCTGGGACAGCGAGAAGCTGCTGTCATCTGCAGGT[T>C]CTGGAACAGGGAGATAGGGGAGAGAGTAATGAGGATCTTACCCATTCCCACTCAAACATA-3'
Protein context (NP_938023.1, residues 306-326): QNNCRLIAYQ[Glu316Gly]PADDSSFSLS

ClinVar aggregate classification (germline): Uncertain significance (1 of 4 stars; one submission).

Conditions:
STING-associated vasculopathy with onset in infancy. Also called: Sting-associated vasculopathy, infantile-onset. Identifiers: Orphanet 425120, MedGen C4014722, MONDO:0014405, OMIM 615934.

Submission:

Labcorp Genetics (formerly Invitae), Labcorp
Classification: Uncertain significance for STING-associated vasculopathy with onset in infancy. Last evaluated: 2024-12-30. Review status: criteria provided, single submitter. Criteria: Invitae Variant Classification Sherloc (09022015). Collection method: clinical testing. Allele origin: germline.
Comment: This sequence change replaces glutamic acid, which is acidic and polar, with glycine, which is neutral and non-polar, at codon 316 of the TMEM173 protein (p.Glu316Gly). This variant is not present in population databases (gnomAD no frequency). This variant has not been reported in the literature in individuals affected with TMEM173-related conditions. An algorithm developed to predict the effect of missense changes on protein structure and function (PolyPhen-2) suggests that this variant is likely to be tolerated. In summary, the available evidence is currently insufficient to determine the role of this variant in disease. Therefore, it has been classified as a Variant of Uncertain Significance.